The following is an entry in ClinVar:

NM_005548.3(KARS1):c.122_125del (p.Lys41fs)

Gene: KARS1 (lysyl-tRNA synthetase 1; minus strand). Cytogenetic location: 16q23.1.
Variant type: Deletion.
Coding change: c.122_125del on transcript NM_005548.3 (MANE Select); coding-DNA positions 122 to 125, 4 bases deleted (AAGA; older notation c.122_125delAAGA).
Protein change: p.Lys41fs; shifts the reading frame from lysine 41.
Molecular consequence: frameshift variant. On other transcripts: 5 prime UTR variant (1).
Genome position (GRCh38, 1-based): chr16:75,641,661-75,641,664, TCTT deleted on the plus strand (AAGA on the coding strand, the reverse complement: KARS1 is on the minus strand); deleting any 4 consecutive bases within chr16:75,641,661-75,641,667 gives the same sequence; the c. name uses the placement nearest the transcript's 3' end. VCF-style (leftmost placement, unchanged base first): chr16-75641660-CTCTT-C. GRCh37 (hg19) VCF-style: chr16-75675558-CTCTT-C.
Other names: c.206_209del, p.Lys69fs (NM_001130089.2); c.-347_-344del (NM_001378148.1); c.206_209delAAGA (NM_001130089.2); short protein forms K41fs, K69fs.
Identifiers: ClinVar variation 2682286 (VCV002682286.4), dbSNP rs2507056779, ClinGen allele CA2697555962.

ClinVar aggregate classification (germline): Pathogenic/Likely pathogenic. Review status: criteria provided, multiple submitters, no conflicts (2 of 4 stars). 3 submissions from 3 submitters: Pathogenic (2); Likely pathogenic (1). Last evaluated 2024-06-26.

Conditions:
Leukoencephalopathy, progressive, infantile-onset, with or without deafness. Identifiers: MedGen C5542996, MONDO:0030893, OMIM 619147.
KARS1-related disorder. Also called: KARS1-related disorders.

Submissions (3):

Labcorp Genetics (formerly Invitae), Labcorp
Classification: Pathogenic. Last evaluated: 2024-06-26. Review status: criteria provided, single submitter. Criteria: Invitae Variant Classification Sherloc (09022015). Collection method: clinical testing. Allele origin: germline.
Comment: This sequence change creates a premature translational stop signal (p.Lys69Serfs*7) in the KARS gene. It is expected to result in an absent or disrupted protein product. Loss-of-function variants in KARS are known to be pathogenic (PMID: 30252186, 33942428). This variant is not present in population databases (gnomAD no frequency). This variant has not been reported in the literature in individuals affected with KARS-related conditions. For these reasons, this variant has been classified as Pathogenic.

Service de Génétique Médicale, Centre Hospitalier Universitaire de Nice-Université Côte d'Azur
Classification: Likely pathogenic for Leukoencephalopathy, progressive, infantile-onset, with or without deafness. Last evaluated: 2024-02-27. Review status: criteria provided, single submitter. Criteria: ACMG Guidelines, 2015. Collection method: clinical testing. Allele origin: germline. Affected: yes.

Women's Health and Genetics/Laboratory Corporation of America, LabCorp
Classification: Pathogenic for KARS1-Related Disorders. Last evaluated: 2023-11-28. Review status: criteria provided, single submitter. Criteria: LabCorp Variant Classification Summary - May 2015. Collection method: clinical testing. Allele origin: germline.
Comment: Variant summary: KARS1 c.206_209delAAGA (p.Lys69SerfsX7) results in a premature termination codon, predicted to cause a truncation of the encoded protein or absence of the protein due to nonsense mediated decay, which are commonly known mechanisms for disease. The variant was absent in 251302 control chromosomes. To our knowledge, no occurrence of c.206_209delAAGA in individuals affected with KARS1-Related Disorders and no experimental evidence demonstrating its impact on protein function have been reported. No submitters have cited clinical-significance assessments for this variant to ClinVar after 2014. Based on the evidence outlined above, the variant was classified as pathogenic.

Literature cited by the submitters: PubMed 30252186 (cited by Labcorp Genetics (formerly Invitae), Labcorp); PubMed 33942428 (cited by Labcorp Genetics (formerly Invitae), Labcorp); PubMed 38703036 (cited by Service de Génétique Médicale, Centre Hospitalier Universitaire de Nice-Université Côte d'Azur).